The following is an entry in ClinVar:

ClinVar aggregate classification (germline): Uncertain significance (1 of 4 stars; one submission).

gnomAD v4.1: 1 of 1,614,134 alleles (0.000062%); highest among the groups gnomAD compares: Non-Finnish European, 0.000085%; no homozygotes.

Submission:

Ambry Genetics
Classification: Uncertain significance. Last evaluated: 2021-12-01. Review status: criteria provided, single submitter. Criteria: Ambry Variant Classification Scheme 2023. Collection method: clinical testing. Allele origin: germline.
Comment: The p.V105A variant (also known as c.314T>C), located in coding exon 4 of the MARS gene, results from a T to C substitution at nucleotide position 314. The valine at codon 105 is replaced by alanine, an amino acid with similar properties. This amino acid position is conserved. In addition, the in silico prediction for this alteration is inconclusive. Since supporting evidence is limited at this time, the clinical significance of this alteration remains unclear.

NM_004990.4(MARS1):c.314T>C (p.Val105Ala)

Gene: MARS1 (methionyl-tRNA synthetase 1; plus strand). Cytogenetic location: 12q13.3.
Variant type: single nucleotide variant.
Coding change: c.314T>C on transcript NM_004990.4 (MANE Select); coding-DNA position 314, T replaced by C.
Protein change: p.Val105Ala; replaces valine 105 with alanine.
Molecular consequence: missense variant.
Genome position (GRCh38, 1-based): chr12:57,489,458, T>C. VCF-style: chr12-57489458-T-C. GRCh37 (hg19) VCF-style: chr12-57883241-T-C.
Other names: short protein forms V105A.
Identifiers: ClinVar variation 1799828 (VCV001799828.2), dbSNP rs2540256793, ClinGen allele CA385491105.